The following is an entry in ClinVar:

NM_000112.4(SLC26A2):c.714del (p.Gln240fs)

Gene: SLC26A2 (solute carrier family 26 member 2; plus strand). Cytogenetic location: 5q32.
Variant type: Deletion.
Coding change: c.714del on transcript NM_000112.4 (MANE Select); coding-DNA position 714, one base deleted (C; older notation c.714delC).
Protein change: p.Gln240fs; shifts the reading frame from glutamine 240.
Molecular consequence: frameshift variant.
Genome position (GRCh38, 1-based): chr5:149,980,307, C deleted. VCF-style (leftmost placement, unchanged base first): chr5-149980306-TC-T. GRCh37 (hg19) VCF-style: chr5-149359869-TC-T.
Other names: c.714delC, p.Gln240Lysfs (NM_000112.3); short protein forms Q240fs.
Identifiers: ClinVar variation 4817468 (VCV004817468.1).

ClinVar aggregate classification (germline): Likely pathogenic (1 of 4 stars; one submission).

Conditions:
Achondrogenesis, type IB (ACG1B). Also called: Achondrogenesis Type 1B. Identifiers: Orphanet 932, Orphanet 93298, MedGen C0265274, MONDO:0010966, OMIM 600972.

Submission:

Natera, Inc.
Classification: Likely pathogenic for Achondrogenesis type IB. Last evaluated: 2024-07-01. Review status: criteria provided, single submitter. Criteria: Natera Variant Classification Schema (03/2026). Collection method: clinical testing. Allele origin: germline.
Comment: The c.714del variant in SLC26A2 is a frameshift variant predicted to shift the reading frame beginning at codon 240 and leads to a stop codon 14 codons downstream. This variant is expected to result in nonsense mediated decay, truncation, or a dysfunctional protein product. This variant is rare in the general population with a frequency below the threshold expected for the associated phenotype(s). Given the available evidence, this variant is classified as Likely Pathogenic.